The following is an entry in ClinVar:

ClinVar aggregate classification (germline): Uncertain significance (1 of 4 stars; one submission).

Allele frequency attached by ClinVar (database versions not stated): gnomAD exomes below 0.00001.
gnomAD v4.1: 4 of 1,614,196 alleles (0.00025%); highest among the groups gnomAD compares: Non-Finnish European, 0.00034%; no homozygotes.

Submission:

Labcorp Genetics (formerly Invitae), Labcorp
Classification: Uncertain significance. Last evaluated: 2023-11-27. Review status: criteria provided, single submitter. Criteria: Invitae Variant Classification Sherloc (09022015). Collection method: clinical testing. Allele origin: germline.
Comment: This sequence change replaces glutamic acid, which is acidic and polar, with aspartic acid, which is acidic and polar, at codon 984 of the ATP2B4 protein (p.Glu984Asp). This variant is not present in population databases (gnomAD no frequency). This variant has not been reported in the literature in individuals affected with ATP2B4-related conditions. ClinVar contains an entry for this variant (Variation ID: 1386404). Advanced modeling of protein sequence and biophysical properties (such as structural, functional, and spatial information, amino acid conservation, physicochemical variation, residue mobility, and thermodynamic stability) performed at Invitae indicates that this missense variant is not expected to disrupt ATP2B4 protein function with a negative predictive value of 80%. In summary, the available evidence is currently insufficient to determine the role of this variant in disease. Therefore, it has been classified as a Variant of Uncertain Significance.

NM_001684.5(ATP2B4):c.2952G>C (p.Glu984Asp)

Gene: ATP2B4 (ATPase plasma membrane Ca2+ transporting 4; plus strand). Cytogenetic location: 1q32.1.
Variant type: single nucleotide variant.
Coding change: c.2952G>C on transcript NM_001684.5 (MANE Select); coding-DNA position 2952, G replaced by C.
Protein change: p.Glu984Asp; replaces glutamic acid 984 with aspartic acid.
Molecular consequence: missense variant.
Genome position (GRCh38, 1-based): chr1:203,722,617, G>C. VCF-style: chr1-203722617-G-C. GRCh37 (hg19) VCF-style: chr1-203691745-G-C.
Other names: c.2952G>C, p.Glu984Asp (NM_001001396.3, NM_001365783.2, NM_001365784.2); short protein forms E984D.
Identifiers: ClinVar variation 1386404 (VCV001386404.8), dbSNP rs1351858811, ClinGen allele CA344321097.
Genomic context (GRCh38, chr1:203,722,617, plus strand): 5'-TAACACCTTCGTGCTGATGCAGCTCTTCAATGAAATCAACTCCCGAAAGATCCATGGAGA[G>C]AAGAACGTCTTTTCAGGCATCTACCGCAACATTATCTTCTGCTCTGTAGTCTTGGGCACA-3'
Protein context (NP_001675.3, residues 974-994): NEINSRKIHG[Glu984Asp]KNVFSGIYRN